The following is an entry in ClinVar:

NM_001369.3(DNAH5):c.5206C>A (p.His1736Asn)

Gene: DNAH5 (dynein axonemal heavy chain 5; minus strand). Cytogenetic location: 5p15.2.
Variant type: single nucleotide variant.
Coding change: c.5206C>A on transcript NM_001369.3 (MANE Select); coding-DNA position 5206, C replaced by A.
Protein change: p.His1736Asn; replaces histidine 1736 with asparagine.
Molecular consequence: missense variant.
Genome position (GRCh38, 1-based): chr5:13,844,902, G>T on the plus strand (C>A on the coding strand, the complement: DNAH5 is on the minus strand). VCF-style: chr5-13844902-G-T. GRCh37 (hg19) VCF-style: chr5-13845011-G-T.
Other names: short protein forms H1736N.
Identifiers: ClinVar variation 2695377 (VCV002695377.3), dbSNP rs759697461, ClinGen allele CA359214068.

ClinVar aggregate classification (germline): Uncertain significance (1 of 4 stars; one submission).

Conditions:
Primary ciliary dyskinesia. Also called: Ciliary dyskinesia. Identifiers: Orphanet 244, MedGen C0008780, MONDO:0016575, HP:0012265.

Submission:

Labcorp Genetics (formerly Invitae), Labcorp
Classification: Uncertain significance for Primary ciliary dyskinesia. Last evaluated: 2024-10-15. Review status: criteria provided, single submitter. Criteria: Invitae Variant Classification Sherloc (09022015). Collection method: clinical testing. Allele origin: germline.
Comment: This sequence change replaces histidine, which is basic and polar, with asparagine, which is neutral and polar, at codon 1736 of the DNAH5 protein (p.His1736Asn). This variant is not present in population databases (gnomAD no frequency). This missense change has been observed in individual(s) with clinical features of primary ciliary dyskinesia (internal data). In at least one individual the data is consistent with being in trans (on the opposite chromosome) from a pathogenic variant. Invitae Evidence Modeling of protein sequence and biophysical properties (such as structural, functional, and spatial information, amino acid conservation, physicochemical variation, residue mobility, and thermodynamic stability) indicates that this missense variant is not expected to disrupt DNAH5 protein function with a negative predictive value of 95%. In summary, the available evidence is currently insufficient to determine the role of this variant in disease. Therefore, it has been classified as a Variant of Uncertain Significance.